The following is an entry in ClinVar:

NM_031475.3(ESPN):c.56G>A (p.Arg19Lys)

Gene: ESPN (espin; plus strand). Cytogenetic location: 1p36.31.
Variant type: single nucleotide variant.
Coding change: c.56G>A on transcript NM_031475.3 (MANE Select); coding-DNA position 56, G replaced by A.
Protein change: p.Arg19Lys; replaces arginine 19 with lysine.
Molecular consequence: missense variant.
Genome position (GRCh38, 1-based): chr1:6,425,011, G>A. VCF-style: chr1-6425011-G-A. GRCh37 (hg19) VCF-style: chr1-6485071-G-A.
Other names: c.56G>A, p.Arg19Lys (NM_001367473.1, NM_001367474.1); short protein forms R19K.
Identifiers: ClinVar variation 1311449 (VCV001311449.8), dbSNP rs996170464, ClinGen allele CA17192711.

ClinVar aggregate classification (germline): Uncertain significance. Review status: criteria provided, multiple submitters, no conflicts (2 of 4 stars). 2 submissions from 2 submitters: Uncertain significance (2). Last evaluated 2022-06-13.

Allele frequency attached by ClinVar (database versions not stated): gnomAD exomes below 0.00001; gnomAD 0.00003 and 0.00004; TOPMed 0.00006.
gnomAD v4.1: 8 of 1,468,372 alleles (0.00054%); highest among the groups gnomAD compares: African/African-American, 0.01%; no homozygotes.

Submissions (2):

Labcorp Genetics (formerly Invitae), Labcorp
Classification: Uncertain significance. Last evaluated: 2022-06-13. Review status: criteria provided, single submitter. Criteria: Invitae Variant Classification Sherloc (09022015). Collection method: clinical testing. Allele origin: germline.
Comment: This sequence change replaces arginine, which is basic and polar, with lysine, which is basic and polar, at codon 19 of the ESPN protein (p.Arg19Lys). This variant is present in population databases (no rsID available, gnomAD 0.02%). This variant has not been reported in the literature in individuals affected with ESPN-related conditions. ClinVar contains an entry for this variant (Variation ID: 1311449). Algorithms developed to predict the effect of missense changes on protein structure and function output the following: SIFT: "Tolerated"; PolyPhen-2: "Benign"; Align-GVGD: "Class C0". The lysine amino acid residue is found in multiple mammalian species, which suggests that this missense change does not adversely affect protein function. In summary, the available evidence is currently insufficient to determine the role of this variant in disease. Therefore, it has been classified as a Variant of Uncertain Significance.

GeneDx
Classification: Uncertain significance. Last evaluated: 2020-06-26. Review status: criteria provided, single submitter. Criteria: GeneDx Variant Classification Process June 2021. Collection method: clinical testing. Allele origin: germline. Affected: yes.
Comment: In silico analysis, which includes protein predictors and evolutionary conservation, supports that this variant does not alter protein structure/function; Has not been previously published as pathogenic or benign to our knowledge